The following is an entry in ClinVar:

ClinVar aggregate classification (germline): Uncertain significance. Review status: criteria provided, multiple submitters, no conflicts (2 of 4 stars). 3 submissions from 3 submitters: Uncertain significance (3). Last evaluated 2025-09-05.

Submissions (3):

Women's Health and Genetics/Laboratory Corporation of America, LabCorp
Classification: Uncertain significance. Last evaluated: 2025-09-05. Review status: criteria provided, single submitter. Criteria: LabCorp Variant Classification Summary - May 2015. Collection method: clinical testing. Allele origin: germline.
Comment: Variant summary: DDX11 c.1242+4T>C alters a conserved nucleotide located close to a canonical splice site and therefore could affect mRNA splicing, leading to a significantly altered protein sequence. Consensus agreement among computation tools predict no significant impact on normal splicing. However, these predictions have yet to be confirmed by functional studies. The frequency data for this variant in gnomAD is considered unreliable, as metrics indicate poor data quality at this position. c.1242+4T>C has been observed in individual(s) affected with hereditary hemochromatosis. These report(s) do not provide unequivocal conclusions about association of the variant with Warsaw Breakage Syndrome. To our knowledge, no experimental evidence demonstrating an impact on protein function has been reported. The following publication have been ascertained in the context of this evaluation (PMID: 35668470). ClinVar contains an entry for this variant (Variation ID: 218806). Based on the evidence outlined above, the variant was classified as uncertain significance.

Genomic Diagnostic Laboratory, Division of Genomic Diagnostics, Children's Hospital of Philadelphia
Classification: Uncertain significance. Last evaluated: 2015-07-22. Review status: criteria provided, single submitter. Criteria: DGD Variant Analysis Guidelines. Collection method: clinical testing. Allele origin: unknown.

Breakthrough Genomics
Classification: Uncertain significance. Review status: criteria provided, single submitter. Criteria: ACMG Guidelines, 2015. Collection method: not provided. Allele origin: germline. Inheritance: Autosomal recessive inheritance. Affected: yes.

Literature cited by the submitters: PubMed 35668470 (cited by Women's Health and Genetics/Laboratory Corporation of America, LabCorp).

NM_030653.4(DDX11):c.1242+4T>C

Gene: DDX11 (DEAD/H-box helicase 11; plus strand). Cytogenetic location: 12p11.21.
Variant type: single nucleotide variant.
Coding change: c.1242+4T>C on transcript NM_030653.4 (MANE Select); 4 bases into the intron after coding-DNA position 1242, T replaced by C.
Molecular consequence: intron variant.
Genome position (GRCh38, 1-based): chr12:31,091,875, T>C. VCF-style: chr12-31091875-T-C. GRCh37 (hg19) VCF-style: chr12-31244809-T-C.
Other names: c.1242+4T>C (NM_152438.2, NM_004399.3, NM_001257144.2); c.1164+4T>C (NM_001257145.2).
Identifiers: ClinVar variation 218806 (VCV000218806.3), dbSNP rs2111769, ClinGen allele CA249040.